The following is an entry in ClinVar:

NM_004415.4(DSP):c.4395T>G (p.Tyr1465Ter)

Gene: DSP (desmoplakin; plus strand). Cytogenetic location: 6p24.3.
Variant type: single nucleotide variant.
Coding change: c.4395T>G on transcript NM_004415.4 (MANE Select); coding-DNA position 4395, T replaced by G.
Protein change: p.Tyr1465Ter; replaces tyrosine 1465 with a stop codon.
Molecular consequence: nonsense. On other transcripts: intron variant (2).
Genome position (GRCh38, 1-based): chr6:7,580,585, T>G. VCF-style: chr6-7580585-T-G. GRCh37 (hg19) VCF-style: chr6-7580818-T-G.
Other names: c.4395T>G (LRG_423t1); c.4050+345T>G (NM_001319034.2); c.3582+813T>G (NM_001008844.3); short protein forms Y1465*.
Identifiers: ClinVar variation 534281 (VCV000534281.10), dbSNP rs1236464864, ClinGen allele CA362686215.

ClinVar aggregate classification (germline): Pathogenic/Likely pathogenic. Review status: criteria provided, multiple submitters, no conflicts (2 of 4 stars). 4 submissions from 4 submitters: Pathogenic (3); Likely pathogenic (1). Last evaluated 2024-02-08.

Conditions:
Arrhythmogenic cardiomyopathy with wooly hair and keratoderma. Also called: PALMOPLANTAR KERATODERMA WITH LEFT VENTRICULAR CARDIOMYOPATHY AND WOOLLY HAIR; Carvajal syndrome; Dilated cardiomyopathy with woolly hair and keratoderma; Arrhythmogenic cardiomyopathy with woolly hair and keratoderma. Identifiers: Orphanet 65282, MedGen C1854063, MONDO:0011581, OMIM 605676.
Arrhythmogenic right ventricular dysplasia 8 (ARVD8). Also called: Arrhythmogenic Right Ventricular Dysplasia/Cardiomyopathy 8; ARRHYTHMOGENIC RIGHT VENTRICULAR DYSPLASIA, FAMILIAL, 8; ARRHYTHMOGENIC RIGHT VENTRICULAR CARDIOMYOPATHY 8. Identifiers: MedGen C1843896, MONDO:0011831, OMIM 607450.
Arrhythmogenic right ventricular dysplasia 9 (ARVD9). Also called: Arrhythmogenic Right Ventricular Dysplasia/Cardiomyopathy 9; ARRHYTHMOGENIC RIGHT VENTRICULAR DYSPLASIA, FAMILIAL, 9. Identifiers: MedGen C1836906, MONDO:0012180, OMIM 609040.

Submissions (4):

All of Us Research Program, National Institutes of Health
Classification: Pathogenic for Arrhythmogenic cardiomyopathy with wooly hair and keratoderma. Last evaluated: 2024-02-08. Review status: criteria provided, single submitter. Criteria: ACMG Guidelines, 2015. Collection method: clinical testing. Allele origin: germline. Inheritance: Autosomal dominant inheritance. Observed: 1 variant allele, 1 heterozygote.
Comment: The c.4395T>G (p.Tyr1465*) variant in the DSP gene introduces a premature translation termination codon at position 1465. This variant is predicted to result in an absent or disrupted protein product. This variant has been observed in individuals with arrhythmogenic right ventricular cardiomyopathy (ARVC) and dilated cardiomyopathy (DCM) (PMID: 25820315, 30345701, 30700137). Loss-of-function variants in DSP gene are known to be pathogenic (PMID: 20716751, 24503780, 25227139). This variant is not present in the general population according to gnomAD. Therefore, the c.4395T>G (p.Tyr1465*) variant in the DSP gene has been classified as pathogenic.

This study involves interpretation of variants in research participants for the purpose of population health screening. Participant phenotype was not available at the time of variant classification. Additional details can be found in publication PMID: 35346344, PMCID: PMC8962531

Human Genome Sequencing Center Clinical Lab, Baylor College of Medicine
Classification: Pathogenic for Arrhythmogenic right ventricular dysplasia 8. Last evaluated: 2023-10-26. Review status: criteria provided, single submitter. Criteria: ACMG Guidelines, 2015. Collection method: clinical testing. Allele origin: unknown.
Comment: The c.4395T>G (p.Tyr1465*) variant in the DSP gene introduces a premature translation termination codon at position 1465. This variant is predicted to result in an absent or disrupted protein product. This variant has been observed in individuals with arrhythmogenic right ventricular cardiomyopathy (ARVC) and dilated cardiomyopathy (DCM) (PMID: 25820315, 30345701, 30700137). Loss-of-function variants in DSP gene are known to be pathogenic (PMID: 20716751, 24503780, 25227139). This variant is not present in the general population according to gnomAD. Therefore, the c.4395T>G (p.Tyr1465*) variant in the DSP gene has been classified as pathogenic.

Labcorp Genetics (formerly Invitae), Labcorp
Classification: Pathogenic for Arrhythmogenic cardiomyopathy with wooly hair and keratoderma; Arrhythmogenic right ventricular dysplasia 8. Last evaluated: 2022-08-16. Review status: criteria provided, single submitter. Criteria: Invitae Variant Classification Sherloc (09022015). Collection method: clinical testing. Allele origin: germline.
Comment: For these reasons, this variant has been classified as Pathogenic. ClinVar contains an entry for this variant (Variation ID: 534281). This premature translational stop signal has been observed in individual(s) with DSP-related conditions (PMID: 25820315, 30345701, 30700137). This variant is not present in population databases (gnomAD no frequency). This sequence change creates a premature translational stop signal (p.Tyr1465*) in the DSP gene. It is expected to result in an absent or disrupted protein product. Loss-of-function variants in DSP are known to be pathogenic (PMID: 20716751, 24503780, 25227139).

Heart Center, Academic Medical Center Amsterdam
Classification: Likely pathogenic for Arrhythmogenic right ventricular dysplasia 9. Last evaluated: 2018-12-01. Review status: criteria provided, single submitter. Criteria: ACMG Guidelines, 2015. Collection method: research. Allele origin: unknown. Affected: yes.

Literature cited by the submitters: PubMed 20716751 (cited by All of Us Research Program, National Institutes of Health and Labcorp Genetics (formerly Invitae), Labcorp); PubMed 24503780 (cited by All of Us Research Program, National Institutes of Health and Labcorp Genetics (formerly Invitae), Labcorp); PubMed 25227139 (cited by All of Us Research Program, National Institutes of Health and Labcorp Genetics (formerly Invitae), Labcorp); PubMed 25820315 (cited by All of Us Research Program, National Institutes of Health and Labcorp Genetics (formerly Invitae), Labcorp); PubMed 30345701 (cited by All of Us Research Program, National Institutes of Health and Labcorp Genetics (formerly Invitae), Labcorp); PubMed 30700137 (cited by All of Us Research Program, National Institutes of Health and Labcorp Genetics (formerly Invitae), Labcorp).